The following is an entry in ClinVar:

NM_201384.3(PLEC):c.4903C>G (p.Gln1635Glu)

Gene: PLEC (plectin; minus strand). Cytogenetic location: 8q24.3.
Variant type: single nucleotide variant.
Coding change: c.4903C>G on transcript NM_201384.3 (MANE Select); coding-DNA position 4903, C replaced by G.
Protein change: p.Gln1635Glu; replaces glutamine 1635 with glutamic acid.
Molecular consequence: missense variant. On other transcripts: intron variant (1).
Genome position (GRCh38, 1-based): chr8:143,925,026, G>C on the plus strand (C>G on the coding strand, the complement: PLEC is on the minus strand). VCF-style: chr8-143925026-G-C. GRCh37 (hg19) VCF-style: chr8-144999194-G-C.
Other names: c.4984C>G, p.Gln1662Glu (NM_000445.5); c.4861C>G, p.Gln1621Glu (NM_201378.4); c.4837C>G, p.Gln1613Glu (NM_201379.3); c.5314C>G, p.Gln1772Glu (NM_201380.4); c.4807C>G, p.Gln1603Glu (NM_201381.3); c.4903C>G, p.Gln1635Glu (NM_201382.4); c.4915C>G, p.Gln1639Glu (NM_201383.3); c.4125+1758C>G (NM_001410941.1); short protein forms Q1772E, Q1603E, Q1639E, Q1635E, Q1613E, Q1621E, Q1662E.
Identifiers: ClinVar variation 2929615 (VCV002929615.3), dbSNP rs2538000129, ClinGen allele CA372551801.

ClinVar aggregate classification (germline): Uncertain significance (1 of 4 stars; one submission).

Conditions:
Epidermolysis bullosa simplex with nail dystrophy (EBS5D). Identifiers: MedGen C4225309, MONDO:0014661, OMIM 616487.
Epidermolysis bullosa simplex 5B, with muscular dystrophy (EBS5B). Also called: EPIDERMOLYSIS BULLOSA SIMPLEX AND LIMB-GIRDLE MUSCULAR DYSTROPHY; Epidermolysis bullosa simplex with muscular dystrophy. Identifiers: Orphanet 257, MedGen C2931072, MONDO:0009181, OMIM 226670.
Epidermolysis bullosa simplex 5C, with pyloric atresia (EBS5C). Also called: PLEC-Related Epidermolysis Bullosa with Pyloric Atresia; Epidermolysis bullosa simplex with pyloric atresia; PLEC1-Related Epidermolysis Bullosa with Pyloric Atresia. Identifiers: Orphanet 158684, MedGen C2677349, MONDO:0012807, OMIM 612138.
Autosomal recessive limb-girdle muscular dystrophy type 2Q (LGMDR17). Also called: MUSCULAR DYSTROPHY, LIMB-GIRDLE, AUTOSOMAL RECESSIVE 17. Identifiers: Orphanet 254361, MedGen C3150989, MONDO:0013390, OMIM 613723.
Epidermolysis bullosa simplex, Ogna type (EBS5A). Also called: Pidermolysis bullosa simplex 5A, Ogna type; EPIDERMOLYSIS BULLOSA SIMPLEX 5A, OGNA TYPE. Identifiers: Orphanet 79401, MedGen C0432317, MONDO:0007555, OMIM 131950.

Submission:

Labcorp Genetics (formerly Invitae), Labcorp
Classification: Uncertain significance for Autosomal recessive limb-girdle muscular dystrophy type 2Q; Epidermolysis bullosa simplex, Ogna type; Epidermolysis bullosa simplex with nail dystrophy; Epidermolysis bullosa simplex 5C, with pyloric atresia; Epidermolysis bullosa simplex 5B, with muscular dystrophy. Last evaluated: 2023-10-23. Review status: criteria provided, single submitter. Criteria: Invitae Variant Classification Sherloc (09022015). Collection method: clinical testing. Allele origin: germline.
Comment: This sequence change replaces glutamine, which is neutral and polar, with glutamic acid, which is acidic and polar, at codon 1662 of the PLEC protein (p.Gln1662Glu). This variant is not present in population databases (gnomAD no frequency). This variant has not been reported in the literature in individuals affected with PLEC-related conditions. Experimental studies and prediction algorithms are not available or were not evaluated, and the functional significance of this variant is currently unknown. In summary, the available evidence is currently insufficient to determine the role of this variant in disease. Therefore, it has been classified as a Variant of Uncertain Significance.